The following is an entry in ClinVar:

ClinVar aggregate classification (germline): Uncertain significance (1 of 4 stars; one submission).

gnomAD v4.1: 1 of 1,611,934 alleles (0.000062%); highest among the groups gnomAD compares: Non-Finnish European, 0.000085%; no homozygotes.

Submission:

CeGaT Center for Human Genetics Tuebingen
Classification: Uncertain significance. Last evaluated: 2025-05-01. Review status: criteria provided, single submitter. Criteria: CeGaT Center For Human Genetics Tuebingen Variant Classification Criteria Version 2. Collection method: clinical testing. Allele origin: germline. Affected: yes. Observed: 1 variant allele.
Comment: ZNF341: PM2, PVS1:Moderate

NM_001282933.2(ZNF341):c.489+1G>A

Gene: ZNF341 (zinc finger protein 341; plus strand). Cytogenetic location: 20q11.22.
Variant type: single nucleotide variant.
Coding change: c.489+1G>A on transcript NM_001282933.2 (MANE Select); the canonical splice donor site of the intron after coding-DNA position 489, G replaced by A.
Molecular consequence: splice donor variant.
Genome position (GRCh38, 1-based): chr20:33,749,073, G>A. VCF-style: chr20-33749073-G-A. GRCh37 (hg19) VCF-style: chr20-32336879-G-A.
Other names: c.489+1G>A (NM_032819.5); c.219+1G>A (NM_001282935.2).
Identifiers: ClinVar variation 3905654 (VCV003905654.10).
Genomic context (GRCh38, chr20:33,749,073, plus strand): 5'-GCCATGTCAGCCTTCACATCCCTGGACCAGCCCATGCCCCAGGGCCCCCCACCTGTGCAG[G>A]TAAGAAGGTGTGGGCTTCTCACAGGGTCTTGATTCCAGACCTGTACATTAACTCCTGCAG-3'